The following is an entry in ClinVar:

ClinVar aggregate classification (germline): Pathogenic (1 of 4 stars; one submission).

Conditions:
Marfan syndrome (MFS). Also called: MARFAN SYNDROME, TYPE I; Marfan syndrome type 1; Marfan's syndrome; Marfan syndrome, classic; FBN1-Related Marfan Syndrome. Identifiers: Orphanet 284963, Orphanet 558, MedGen C0024796, MONDO:0007947, OMIM 154700.
Familial thoracic aortic aneurysm and aortic dissection (TAAD). Also called: Thoracic aortic aneurysms and dissections. Identifiers: Orphanet 91387, MedGen C4707243, MONDO:0019625.

Submission:

Labcorp Genetics (formerly Invitae), Labcorp
Classification: Pathogenic for Marfan syndrome; Familial thoracic aortic aneurysm and aortic dissection. Last evaluated: 2024-04-09. Review status: criteria provided, single submitter. Criteria: Invitae Variant Classification Sherloc (09022015). Collection method: clinical testing. Allele origin: germline.
Comment: This sequence change replaces cysteine, which is neutral and slightly polar, with serine, which is neutral and polar, at codon 832 of the FBN1 protein (p.Cys832Ser). This variant is not present in population databases (gnomAD no frequency). This missense change has been observed in individuals with Marfan syndrome (PMID: 27906200; Invitae). Advanced modeling of protein sequence and biophysical properties (such as structural, functional, and spatial information, amino acid conservation, physicochemical variation, residue mobility, and thermodynamic stability) performed at Invitae indicates that this missense variant is expected to disrupt FBN1 protein function with a positive predictive value of 95%. This variant affects a cysteine residue in the EGF-like, TGFBP or hybrid motif domains of FBN1. Cysteine residues are believed to be involved in intramolecular disulfide bridges and have been shown to be important for FBN1 protein structure (PMID: 16905551, 19349279). In addition, missense substitutions affecting cysteine residues within these domains are significantly overrepresented among patients with Marfan syndrome (PMID: 16571647, 17701892). This variant disrupts the p.Cys832 amino acid residue in FBN1. Other variant(s) that disrupt this residue have been observed in individuals with FBN1-related conditions (PMID: 19839986, 27906200), which suggests that this may be a clinically significant amino acid residue. For these reasons, this variant has been classified as Pathogenic.

Literature cited by the submitters: PubMed 27906200; PubMed 16905551; PubMed 19349279; PubMed 16571647; PubMed 17701892; PubMed 19839986.

NM_000138.5(FBN1):c.2494T>A (p.Cys832Ser)

Gene: FBN1 (fibrillin 1; minus strand). Cytogenetic location: 15q21.1.
Variant type: single nucleotide variant.
Coding change: c.2494T>A on transcript NM_000138.5 (MANE Select); coding-DNA position 2494, T replaced by A.
Protein change: p.Cys832Ser; replaces cysteine 832 with serine.
Molecular consequence: missense variant.
Genome position (GRCh38, 1-based): chr15:48,495,514, A>T on the plus strand (T>A on the coding strand, the complement: FBN1 is on the minus strand). VCF-style: chr15-48495514-A-T. GRCh37 (hg19) VCF-style: chr15-48787711-A-T.
Other names: c.2494T>A, p.Cys832Ser (NM_001406716.1); short protein forms C832S.
Identifiers: ClinVar variation 3754084 (VCV003754084.2).